The following is an entry in ClinVar:

ClinVar aggregate classification (germline): Uncertain significance. Review status: criteria provided, multiple submitters, no conflicts (2 of 4 stars). 2 submissions from 2 submitters: Uncertain significance (2). Last evaluated 2021-01-28.

Allele frequency attached by ClinVar (database versions not stated): gnomAD exomes below 0.00001; ExAC 0.00001; gnomAD 0.00001; TOPMed 0.00001; ESP Exome Variant Server 0.00008.

Submissions (2):

Labcorp Genetics (formerly Invitae), Labcorp
Classification: Uncertain significance. Last evaluated: 2021-01-28. Review status: criteria provided, single submitter. Criteria: Invitae Variant Classification Sherloc (09022015). Collection method: clinical testing. Allele origin: germline.
Comment: In summary, the available evidence is currently insufficient to determine the role of this variant in disease. Therefore, it has been classified as a Variant of Uncertain Significance. Algorithms developed to predict the effect of missense changes on protein structure and function are either unavailable or do not agree on the potential impact of this missense change (SIFT: "Deleterious"; PolyPhen-2: "Possibly Damaging"; Align-GVGD: "Class C0"). This variant has not been reported in the literature in individuals with CNGA3-related conditions. This variant is present in population databases (rs374387223, ExAC 0.002%). This sequence change replaces isoleucine with valine at codon 395 of the CNGA3 protein (p.Ile395Val). The isoleucine residue is highly conserved and there is a small physicochemical difference between isoleucine and valine.

Blueprint Genetics
Classification: Uncertain significance. Last evaluated: 2020-08-14. Review status: criteria provided, single submitter. Criteria: ACMG Guidelines, 2015. Collection method: clinical testing. Allele origin: germline.

NM_001298.3(CNGA3):c.1183A>G (p.Ile395Val)

Gene: CNGA3 (cyclic nucleotide gated channel subunit alpha 3; plus strand). Cytogenetic location: 2q11.2.
Variant type: single nucleotide variant.
Coding change: c.1183A>G on transcript NM_001298.3 (MANE Select); coding-DNA position 1183, A replaced by G.
Protein change: p.Ile395Val; replaces isoleucine 395 with valine.
Molecular consequence: missense variant.
Genome position (GRCh38, 1-based): chr2:98,396,353, A>G. VCF-style: chr2-98396353-A-G. GRCh37 (hg19) VCF-style: chr2-99012816-A-G.
Other names: c.1129A>G, p.Ile377Val (NM_001079878.2); short protein forms I377V, I395V.
Identifiers: ClinVar variation 1367182 (VCV001367182.9), dbSNP rs374387223, ClinGen allele CA1793958.